The following is an entry in ClinVar:

NM_002439.5(MSH3):c.1935_1938dup (p.His647fs)

Gene: MSH3 (mutS homolog 3; plus strand). Cytogenetic location: 5q14.1.
Variant type: Microsatellite.
Coding change: c.1935_1938dup on transcript NM_002439.5 (MANE Select); coding-DNA positions 1935 to 1938, 4 bases duplicated (ATAT; older notation c.1935_1938dupATAT).
Protein change: p.His647fs; shifts the reading frame from histidine 647.
Molecular consequence: frameshift variant.
Genome position (GRCh38, 1-based): chr5:80,767,971-80,767,974, ATAT duplicated; duplicating any 4 consecutive bases within chr5:80,767,970-80,767,974 gives the same sequence; the c. name uses the placement nearest the transcript's 3' end. VCF-style (leftmost placement, unchanged base first): chr5-80767969-T-TTATA. GRCh37 (hg19) VCF-style: chr5-80063788-T-TTATA.
Other names: short protein forms H647fs.
Identifiers: ClinVar variation 640350 (VCV000640350.12), dbSNP rs1580033751, ClinGen allele CA915943398.

ClinVar aggregate classification (germline): Pathogenic/Likely pathogenic. Review status: criteria provided, multiple submitters, no conflicts (2 of 4 stars). 4 submissions from 4 submitters: Pathogenic (3); Likely pathogenic (1). Last evaluated 2026-01-20.

Conditions:
Familial adenomatous polyposis 4 (FAP4). Also called: MSH3-related attenuated familial adenomatous polyposis. Identifiers: Orphanet 480536, MedGen C4310719, MONDO:0044300, OMIM 617100.
Hereditary cancer-predisposing syndrome. Also called: Neoplastic Syndromes, Hereditary; Tumor predisposition; Hereditary Cancer Syndrome; Hereditary neoplastic syndrome. Identifiers: Orphanet 140162, MedGen C0027672, MeSH D009386, MONDO:0015356.
Endometrial carcinoma. Also called: Endometrial carcinoma, somatic. Identifiers: MedGen C0476089, MONDO:0002447, OMIM 608089, HP:0012114.

Submissions (4):

Labcorp Genetics (formerly Invitae), Labcorp
Classification: Pathogenic. Last evaluated: 2026-01-20. Review status: criteria provided, single submitter. Criteria: Invitae Variant Classification Sherloc (09022015). Collection method: clinical testing. Allele origin: germline.
Comment: This sequence change creates a premature translational stop signal (p.His647Ilefs*15) in the MSH3 gene. It is expected to result in an absent or disrupted protein product. Loss-of-function variants in MSH3 are known to be pathogenic (PMID: 27476653, 37402566). This variant is not present in population databases (gnomAD no frequency). This variant has not been reported in the literature in individuals affected with MSH3-related conditions. For these reasons, this variant has been classified as Pathogenic.

Ambry Genetics
Classification: Pathogenic for Hereditary cancer-predisposing syndrome. Last evaluated: 2025-02-14. Review status: criteria provided, single submitter. Criteria: Ambry Variant Classification Scheme 2023. Collection method: clinical testing. Allele origin: germline.
Comment: The c.1935_1938dupATAT variant, located in coding exon 14 of the MSH3 gene, results from a duplication of ATAT at nucleotide position 1935, causing a translational frameshift with a predicted alternate stop codon (p.H647Ifs*15). This variant is considered to be rare based on population cohorts in the Genome Aggregation Database (gnomAD). This alteration is expected to result in loss of function by premature protein truncation or nonsense-mediated mRNA decay. As such, this alteration is interpreted as a disease-causing mutation.

Myriad Genetics, Inc.
Classification: Pathogenic for Familial adenomatous polyposis 4. Last evaluated: 2023-08-30. Review status: criteria provided, single submitter. Criteria: Myriad Autosomal Dominant, Autosomal Recessive and X-Linked Classification Criteria (2023). Collection method: clinical testing. Allele origin: unknown.
Comment: This variant is considered pathogenic. This variant creates a frameshift predicted to result in premature protein truncation.

Baylor Genetics
Classification: Likely pathogenic for Endometrial carcinoma. Last evaluated: 2021-08-07. Review status: criteria provided, single submitter. Criteria: ACMG Guidelines, 2015. Collection method: clinical testing. Allele origin: unknown.

Literature cited by the submitters: PubMed 27476653 (cited by Labcorp Genetics (formerly Invitae), Labcorp); PubMed 37402566 (cited by Labcorp Genetics (formerly Invitae), Labcorp).